The following is an entry in ClinVar:

NM_016026.4(RDH11):c.709T>C (p.Ser237Pro)

Genes: GPHN (gephyrin; plus strand), RDH11 (retinol dehydrogenase 11; minus strand). Cytogenetic location: 14q24.1.
Variant type: single nucleotide variant.
Coding change: c.709T>C on transcript NM_016026.4 (MANE Select); coding-DNA position 709, T replaced by C.
Protein change: p.Ser237Pro; replaces serine 237 with proline.
Molecular consequence: missense variant.
Genome position (GRCh38, 1-based): chr14:67,685,160, A>G on the plus strand (T>C on the coding strand, the complement: RDH11 is on the minus strand). VCF-style: chr14-67685160-A-G. GRCh37 (hg19) VCF-style: chr14-68151877-A-G.
Other names: c.499T>C, p.Ser167Pro (NM_001252650.2); short protein forms S167P, S237P.
Identifiers: ClinVar variation 959720 (VCV000959720.7), dbSNP rs769073054, ClinGen allele CA7238307.
Genomic context (GRCh38, chr14:67,685,160, plus strand): 5'-TGAAAAAGGAGAAAAGCCACCACATCCATCTCATGAAAGATGAGTGCCGAACCAGTTCAG[A>G]TTGGACTGTGCCAGGGTGTACAGAATACGTCGTAACGCCAGAGCCTGGTTGGGGGTGGCA-3'
Protein context (NP_057110.3, residues 227-247): TYSVHPGTVQ[Ser237Pro]ELVRHSSFMR

ClinVar aggregate classification (germline): Uncertain significance (1 of 4 stars; one submission).

Allele frequency attached by ClinVar (database versions not stated): gnomAD exomes below 0.00001 and 0.00001; ExAC 0.00002; gnomAD 0.00002 and 0.00003; TOPMed 0.00002.
gnomAD v4.1: 11 of 1,614,048 alleles (0.00068%); highest among the groups gnomAD compares: African/African-American, 0.0013%; no homozygotes.

Submission:

Labcorp Genetics (formerly Invitae), Labcorp
Classification: Uncertain significance. Last evaluated: 2019-07-24. Review status: criteria provided, single submitter. Criteria: Invitae Variant Classification Sherloc (09022015). Collection method: clinical testing. Allele origin: germline.
Comment: In summary, the available evidence is currently insufficient to determine the role of this variant in disease. Therefore, it has been classified as a Variant of Uncertain Significance. Algorithms developed to predict the effect of missense changes on protein structure and function are either unavailable or do not agree on the potential impact of this missense change (SIFT: "Tolerated"; PolyPhen-2: "Possibly Damaging"; Align-GVGD: "Class C0"). This variant has not been reported in the literature in individuals with RDH11-related conditions. This variant is present in population databases (rs769073054, ExAC 0.003%). This sequence change replaces serine with proline at codon 237 of the RDH11 protein (p.Ser237Pro). The serine residue is moderately conserved and there is a moderate physicochemical difference between serine and proline.